The following is an entry in ClinVar:

NM_001379291.1(BRD4):c.3978G>T (p.Glu1326Asp)

Gene: BRD4 (bromodomain containing 4; minus strand). Cytogenetic location: 19p13.12.
Variant type: single nucleotide variant.
Coding change: c.3978G>T on transcript NM_001379291.1 (MANE Select); coding-DNA position 3978, G replaced by T.
Protein change: p.Glu1326Asp; replaces glutamic acid 1326 with aspartic acid.
Molecular consequence: missense variant.
Genome position (GRCh38, 1-based): chr19:15,238,785, C>A on the plus strand (G>T on the coding strand, the complement: BRD4 is on the minus strand). VCF-style: chr19-15238785-C-A. GRCh37 (hg19) VCF-style: chr19-15349596-C-A.
Other names: c.3978G>T, p.Glu1326Asp (NM_058243.3); short protein forms E1326D.
Identifiers: ClinVar variation 718290 (VCV000718290.11), dbSNP rs201443971, ClinGen allele CA9264473.
Genomic context (GRCh38, chr19:15,238,785, plus strand): 5'-CCAGGCCTCCAGACTCACGGCTTCCCGGCGTCTTCGCTCCTGCTCCCGCTTCCGGGCCAA[C>A]TCCCTCTGCTGGTCCAGCATGGACTGGGGCTGGGAGCTCTGGGCCTGTGGGGTGGCGGCG-3'
Protein context (NP_001366220.1, residues 1316-1336): QPQSMLDQQR[Glu1326Asp]LARKREQERR

ClinVar aggregate classification (germline): Benign. Review status: criteria provided, multiple submitters, no conflicts (2 of 4 stars). 3 submissions from 3 submitters: Benign (2). 1 of the submissions does not count toward it. Last evaluated 2026-02-03.

Conditions:
BRD4-related disorder. Also called: BRD4-related condition.

Allele frequency attached by ClinVar (database versions not stated): ESP Exome Variant Server 0.00015; gnomAD exomes 0.00082 and 0.00359; 1000 Genomes Project 30x 0.00094; 1000 Genomes Project 0.00100; gnomAD 0.00102 and 0.00103; TOPMed 0.00206; ExAC 0.00399.
gnomAD v4.1: 1,300 of 1,584,550 alleles (0.082%); highest among the groups gnomAD compares: Admixed American, 1.8%; 14 homozygotes.

Submissions (3):

Labcorp Genetics (formerly Invitae), Labcorp
Classification: Benign. Last evaluated: 2026-02-03. Review status: criteria provided, single submitter. Criteria: Invitae Variant Classification Sherloc (09022015). Collection method: clinical testing. Allele origin: germline.

Breakthrough Genomics
Classification: Benign. Review status: criteria provided, single submitter. Criteria: ACMG Guidelines, 2015. Collection method: not provided. Allele origin: germline. Inheritance: Unknown mechanism. Affected: yes.

PreventionGenetics, part of Exact Sciences
Classification: Benign for BRD4-related condition. Last evaluated: 2024-06-30. Review status: no assertion criteria provided. Collection method: clinical testing. Allele origin: germline. Not counted in ClinVar's aggregate classification.
Comment: This variant is classified as benign based on ACMG/AMP sequence variant interpretation guidelines (Richards et al. 2015 PMID: 25741868, with internal and published modifications).